The following is an entry in ClinVar:

ClinVar aggregate classification (germline): Conflicting classifications of pathogenicity. Review status: criteria provided, conflicting classifications (1 of 4 stars). 3 submissions from 3 submitters: Uncertain significance (1); Benign (1); Likely benign (1). Last evaluated 2025-02-21.

Conditions:
Hereditary cancer-predisposing syndrome. Also called: Hereditary Cancer Syndrome; Neoplastic Syndromes, Hereditary; Tumor predisposition; Hereditary neoplastic syndrome. Identifiers: Orphanet 140162, MedGen C0027672, MeSH D009386, MONDO:0015356.
Breast-ovarian cancer, familial, susceptibility to, 4. Identifiers: Orphanet 145, MedGen C3280345, MONDO:0013669, OMIM 614291.

Submissions (3):

Myriad Genetics, Inc.
Classification: Benign for Breast-ovarian cancer, familial, susceptibility to, 4. Last evaluated: 2025-02-21. Review status: criteria provided, single submitter. Criteria: Myriad Autosomal Dominant, Autosomal Recessive and X-Linked Classification Criteria (2023). Collection method: clinical testing. Allele origin: unknown.
Comment: This variant is considered benign. This variant is a silent/synonymous amino acid change and it is not expected to impact splicing.

Ambry Genetics
Classification: Uncertain significance for Hereditary cancer-predisposing syndrome. Last evaluated: 2024-07-23. Review status: criteria provided, single submitter. Criteria: Ambry Variant Classification Scheme 2023. Collection method: clinical testing. Allele origin: germline.
Comment: The c.384G>T variant (also known as p.L128L), located in coding exon 5 of the RAD51D gene, results from a G to T substitution at nucleotide position 384. This nucleotide substitution does not change the leucine at codon 128. This nucleotide position is well conserved in available vertebrate species. In silico splice site analysis for this alteration is inconclusive. Based on the available evidence, the clinical significance of this variant remains unclear.

GeneDx
Classification: Likely benign. Last evaluated: 2017-12-22. Review status: criteria provided, single submitter. Criteria: GeneDx Variant Classification (06012015). Collection method: clinical testing. Allele origin: germline. Affected: yes.
Comment: This variant is considered likely benign or benign based on one or more of the following criteria: it is a conservative change, it occurs at a poorly conserved position in the protein, it is predicted to be benign by multiple in silico algorithms, and/or has population frequency not consistent with disease.

NM_002878.4(RAD51D):c.384G>T (p.Leu128=)

Genes: RAD51L3-RFFL (RAD51L3-RFFL readthrough; minus strand), RAD51D (RAD51 paralog D; minus strand). Cytogenetic location: 17q12.
Variant type: single nucleotide variant.
Coding change: c.384G>T on transcript NM_002878.4 (MANE Select); coding-DNA position 384, G replaced by T.
Protein change: p.Leu128=; no amino-acid change (leucine 128 retained).
Molecular consequence: synonymous variant. On other transcripts: non-coding transcript variant (1), intron variant (1).
Genome position (GRCh38, 1-based): chr17:35,107,084, C>A on the plus strand (G>T on the coding strand, the complement: RAD51D is on the minus strand). VCF-style: chr17-35107084-C-A. GRCh37 (hg19) VCF-style: chr17-33434103-C-A.
Other names: c.444G>T, p.Leu148= (NM_001142571.2); c.145-603G>T (NM_133629.3).
Identifiers: ClinVar variation 514421 (VCV000514421.3), dbSNP rs1393403501, ClinGen allele CA499731729.